The following is an entry in ClinVar:

ClinVar aggregate classification (germline): Likely benign. Review status: criteria provided, single submitter (1 of 4 stars). 2 submissions from 2 submitters: Likely benign (1). 1 of the submissions does not count toward it. Last evaluated 2025-07-14.

Conditions:
CSF2RB-related disorder. Also called: CSF2RB-related condition.

Allele frequency attached by ClinVar (database versions not stated): gnomAD 0.00001; gnomAD exomes below 0.00001; 1000 Genomes Project 0.00020; ExAC 0.00002; 1000 Genomes Project 30x 0.00016.

Submissions (2):

Labcorp Genetics (formerly Invitae), Labcorp
Classification: Likely benign. Last evaluated: 2025-07-14. Review status: criteria provided, single submitter. Criteria: Invitae Variant Classification Sherloc (09022015). Collection method: clinical testing. Allele origin: germline.

PreventionGenetics, part of Exact Sciences
Classification: Likely benign for CSF2RB-related condition. Last evaluated: 2019-05-27. Review status: no assertion criteria provided. Collection method: clinical testing. Allele origin: germline. Not counted in ClinVar's aggregate classification.
Comment: This variant is classified as likely benign based on ACMG/AMP sequence variant interpretation guidelines (Richards et al. 2015 PMID: 25741868, with internal and published modifications).

NM_000395.3(CSF2RB):c.2595G>A (p.Val865=)

Gene: CSF2RB (colony stimulating factor 2 receptor subunit beta; plus strand). Cytogenetic location: 22q12.3.
Variant type: single nucleotide variant.
Coding change: c.2595G>A on transcript NM_000395.3 (MANE Select); coding-DNA position 2595, G replaced by A.
Protein change: p.Val865=; no amino-acid change (valine 865 retained).
Molecular consequence: synonymous variant.
Genome position (GRCh38, 1-based): chr22:36,938,403, G>A. VCF-style: chr22-36938403-G-A. GRCh37 (hg19) VCF-style: chr22-37334445-G-A.
Other names: c.2613G>A, p.Val871= (NM_001410827.1).
Identifiers: ClinVar variation 3039231 (VCV003039231.3), dbSNP rs554053520, ClinGen allele CA10214162.